The following is an entry in ClinVar:

NM_001458.5(FLNC):c.5117A>G (p.Tyr1706Cys)

Gene: FLNC (filamin C; plus strand). Cytogenetic location: 7q32.1.
Variant type: single nucleotide variant.
Coding change: c.5117A>G on transcript NM_001458.5 (MANE Select); coding-DNA position 5117, A replaced by G.
Protein change: p.Tyr1706Cys; replaces tyrosine 1706 with cysteine.
Molecular consequence: missense variant.
Genome position (GRCh38, 1-based): chr7:128,849,496, A>G. VCF-style: chr7-128849496-A-G. GRCh37 (hg19) VCF-style: chr7-128489550-A-G.
Other names: c.5117A>G, p.Tyr1706Cys (NM_001127487.2); short protein forms Y1706C.
Identifiers: ClinVar variation 2062497 (VCV002062497.6), dbSNP rs2536650633, ClinGen allele CA369204220.

ClinVar aggregate classification (germline): Uncertain significance. Review status: criteria provided, multiple submitters, no conflicts (2 of 4 stars). 3 submissions from 3 submitters: Uncertain significance (3). Last evaluated 2025-02-24.

Conditions:
Distal myopathy with posterior leg and anterior hand involvement. Also called: WILLIAMS DISTAL MYOPATHY. Identifiers: Orphanet 63273, MedGen C3279722, MONDO:0013550, OMIM 614065.
Myofibrillar myopathy 5. Also called: FILAMINOPATHY, AUTOSOMAL DOMINANT; Filaminopathy (type). Identifiers: Orphanet 171445, MedGen C1836050, MONDO:0012289, OMIM 609524.
Hypertrophic cardiomyopathy 26. Also called: Cardiomyopathy, familial hypertrophic, 26. Identifiers: Orphanet 75249, MedGen C4310749, MONDO:0014883, OMIM 617047.
Cardiovascular phenotype. Identifiers: MedGen CN230736.

Allele frequency attached by ClinVar (database versions not stated): gnomAD exomes below 0.00001.
gnomAD v4.1: 2 of 1,614,184 alleles (0.00012%); highest among the groups gnomAD compares: Non-Finnish European, 0.00017%; no homozygotes.

Submissions (3):

GeneDx
Classification: Uncertain significance. Last evaluated: 2025-02-24. Review status: criteria provided, single submitter. Criteria: GeneDx Variant Classification Process June 2021. Collection method: clinical testing. Allele origin: germline. Affected: yes.
Comment: Not observed at significant frequency in large population cohorts (gnomAD); In silico analysis supports that this missense variant has a deleterious effect on protein structure/function; Has not been previously published as pathogenic or benign to our knowledge

Ambry Genetics
Classification: Uncertain significance for Cardiovascular phenotype. Last evaluated: 2025-02-09. Review status: criteria provided, single submitter. Criteria: Ambry Variant Classification Scheme 2023. Collection method: clinical testing. Allele origin: germline.
Comment: The p.Y1706C variant (also known as c.5117A>G), located in coding exon 30 of the FLNC gene, results from an A to G substitution at nucleotide position 5117. The tyrosine at codon 1706 is replaced by cysteine, an amino acid with highly dissimilar properties. This amino acid position is conserved. In addition, this alteration is predicted to be deleterious by in silico analysis. Based on the available evidence, the clinical significance of this variant remains unclear.

Labcorp Genetics (formerly Invitae), Labcorp
Classification: Uncertain significance for Distal myopathy with posterior leg and anterior hand involvement; Myofibrillar myopathy 5; Hypertrophic cardiomyopathy 26. Last evaluated: 2022-02-08. Review status: criteria provided, single submitter. Criteria: Invitae Variant Classification Sherloc (09022015). Collection method: clinical testing. Allele origin: germline.
Comment: This variant has not been reported in the literature in individuals affected with FLNC-related conditions. In summary, the available evidence is currently insufficient to determine the role of this variant in disease. Therefore, it has been classified as a Variant of Uncertain Significance. Algorithms developed to predict the effect of missense changes on protein structure and function are either unavailable or do not agree on the potential impact of this missense change (SIFT: "Deleterious"; PolyPhen-2: "Probably Damaging"; Align-GVGD: "Class C0"). This variant is not present in population databases (gnomAD no frequency). This sequence change replaces tyrosine, which is neutral and polar, with cysteine, which is neutral and slightly polar, at codon 1706 of the FLNC protein (p.Tyr1706Cys).